The following is an entry in ClinVar:

ClinVar aggregate classification (germline): Benign/Likely benign. Review status: criteria provided, multiple submitters, no conflicts (2 of 4 stars). 8 submissions from 8 submitters: Benign (5); Likely benign (2). 1 of the submissions does not count toward it. Last evaluated 2026-02-04.

Conditions:
Ehlers-Danlos syndrome, dermatosparaxis type. Also called: EDS VIIC; Dermatosparaxis; Ehlers-Danlos syndrome, type VII, autosomal recessive. Identifiers: Orphanet 1901, MedGen C2700425, MONDO:0009161, OMIM 225410.
Ehlers-Danlos syndrome (EDS). Identifiers: Orphanet 98249, MedGen C0013720, MONDO:0020066.

Allele frequency attached by ClinVar (database versions not stated): gnomAD exomes 0.00507 and 0.00778; ExAC 0.00923; 1000 Genomes Project 0.01797; 1000 Genomes Project 30x 0.01858; gnomAD 0.02089 and 0.02208; TOPMed 0.02229; ESP Exome Variant Server 0.02576.
gnomAD v4.1: 10,661 of 1,611,586 alleles (0.66%); highest among the groups gnomAD compares: African/African-American, 6.6%; 201 homozygotes.

Submissions (8):

Labcorp Genetics (formerly Invitae), Labcorp
Classification: Benign for Ehlers-Danlos syndrome, dermatosparaxis type. Last evaluated: 2026-02-04. Review status: criteria provided, single submitter. Criteria: Invitae Variant Classification Sherloc (09022015). Collection method: clinical testing. Allele origin: germline.

Women's Health and Genetics/Laboratory Corporation of America, LabCorp
Classification: Likely benign. Last evaluated: 2021-11-13. Review status: criteria provided, single submitter. Criteria: LabCorp Variant Classification Summary - May 2015. Collection method: clinical testing. Allele origin: germline.

Genome Diagnostics Laboratory, The Hospital for Sick Children
Classification: Benign for Ehlers-Danlos syndrome. Last evaluated: 2020-05-17. Review status: criteria provided, single submitter. Criteria: ACMG Guidelines, 2015. Collection method: clinical testing. Allele origin: germline.

Mayo Clinic Laboratories, Mayo Clinic
Classification: Benign. Last evaluated: 2019-10-09. Review status: criteria provided, single submitter. Criteria: ACMG Guidelines, 2015. Collection method: clinical testing. Allele origin: germline. Observed: 49 variant alleles.

Illumina Laboratory Services, Illumina
Classification: Benign for Ehlers-Danlos syndrome, dermatosparaxis type. Last evaluated: 2018-01-13. Review status: criteria provided, single submitter. Criteria: ICSL Variant Classification Criteria 13 December 2019. Collection method: clinical testing. Allele origin: germline.
Comment: This variant was observed in the ICSL laboratory as part of a predisposition screen in an ostensibly healthy population. It had not been previously curated by ICSL or reported in the Human Gene Mutation Database (HGMD: prior to June 1st, 2018), and was therefore a candidate for classification through an automated scoring system. Utilizing variant allele frequency, disease prevalence and penetrance estimates, and inheritance mode, an automated score was calculated to assess if this variant is too frequent to cause the disease. Based on the score and internal cut-off values, a variant classified as benign is not then subjected to further curation. The score for this variant resulted in a classification of benign for this disease.

GeneDx
Classification: Benign. Last evaluated: 2016-10-07. Review status: criteria provided, single submitter. Criteria: GeneDx Variant Classification (06012015). Collection method: clinical testing. Allele origin: germline. Affected: yes.
Comment: This variant is considered likely benign or benign based on one or more of the following criteria: it is a conservative change, it occurs at a poorly conserved position in the protein, it is predicted to be benign by multiple in silico algorithms, and/or has population frequency not consistent with disease.

Breakthrough Genomics
Classification: Likely benign. Review status: criteria provided, single submitter. Criteria: ACMG Guidelines, 2015. Collection method: not provided. Allele origin: germline. Inheritance: Autosomal recessive inheritance. Affected: yes.

Natera, Inc.
Classification: Benign for Ehlers-Danlos syndrome type VIIC. Last evaluated: 2020-09-16. Review status: no assertion criteria provided. Collection method: clinical testing. Allele origin: germline. Not counted in ClinVar's aggregate classification.

NM_014244.5(ADAMTS2):c.701A>G (p.Asp234Gly)

Gene: ADAMTS2 (ADAM metallopeptidase with thrombospondin type 1 motif 2; minus strand). Cytogenetic location: 5q35.3.
Variant type: single nucleotide variant.
Coding change: c.701A>G on transcript NM_014244.5 (MANE Select); coding-DNA position 701, A replaced by G.
Protein change: p.Asp234Gly; replaces aspartic acid 234 with glycine.
Molecular consequence: missense variant.
Genome position (GRCh38, 1-based): chr5:179,207,703, T>C on the plus strand (A>G on the coding strand, the complement: ADAMTS2 is on the minus strand). VCF-style: chr5-179207703-T-C. GRCh37 (hg19) VCF-style: chr5-178634704-T-C.
Other names: p.Asp234Gly; c.701A>G, p.Asp234Gly (NM_021599.4); short protein forms D234G.
Identifiers: ClinVar variation 353138 (VCV000353138.22), dbSNP rs59567206, ClinGen allele CA3596201.